The following is an entry in ClinVar:

ClinVar aggregate classification (germline): Uncertain significance (1 of 4 stars; one submission).

Conditions:
Heterotopia, periventricular, X-linked dominant (PVNH1). Also called: PERIVENTRICULAR NODULAR HETEROTOPIA 1; X-linked periventricular heterotopia; PERIVENTRICULAR NODULAR HETEROTOPIA 4; HETEROTOPIA, PERIVENTRICULAR, 1. Identifiers: Orphanet 2149, Orphanet 82004, MedGen C1848213, MONDO:0010233, OMIM 300049.
Melnick-Needles syndrome (MNS). Also called: MELNICK-NEEDLES OSTEODYSPLASTY; OSTEODYSPLASTY OF MELNICK AND NEEDLES; Melnick-Needles Syndrome (FLNA-MNS). Identifiers: Orphanet 2484, MedGen C0025237, MONDO:0010650, OMIM 309350.
Frontometaphyseal dysplasia (FMD1). Identifiers: Orphanet 1826, MedGen C0265293, MONDO:0015942.
Oto-palato-digital syndrome, type II (OPD2). Also called: FACIOPALATOOSSEOUS SYNDROME; OPD II SYNDROME; Otopalatodigital Syndrome Type 2 (FLNA-OPD2); Otopalatodigital Syndrome, Type II. Identifiers: Orphanet 669, Orphanet 90652, MedGen C1844696, MONDO:0010571, OMIM 304120.

Submission:

Labcorp Genetics (formerly Invitae), Labcorp
Classification: Uncertain significance for Oto-palato-digital syndrome, type II; Heterotopia, periventricular, X-linked dominant; Frontometaphyseal dysplasia; Melnick-Needles syndrome. Last evaluated: 2025-05-12. Review status: criteria provided, single submitter. Criteria: Invitae Variant Classification Sherloc (09022015). Collection method: clinical testing. Allele origin: germline.
Comment: This sequence change replaces valine, which is neutral and non-polar, with methionine, which is neutral and non-polar, at codon 2621 of the FLNA protein (p.Val2621Met). This variant is not present in population databases (gnomAD no frequency). This variant has not been reported in the literature in individuals affected with FLNA-related conditions. Invitae Evidence Modeling of protein sequence and biophysical properties (such as structural, functional, and spatial information, amino acid conservation, physicochemical variation, residue mobility, and thermodynamic stability) indicates that this missense variant is not expected to disrupt FLNA protein function with a negative predictive value of 95%. In summary, the available evidence is currently insufficient to determine the role of this variant in disease. Therefore, it has been classified as a Variant of Uncertain Significance.

NM_001110556.2(FLNA):c.7885G>A (p.Val2629Met)

Genes: FLNA (filamin A; minus strand), LOC107988032 (Xq28 proximal FLNA-EMD recombination region; plus strand). Cytogenetic location: Xq28.
Variant type: single nucleotide variant.
Coding change: c.7885G>A on transcript NM_001110556.2 (MANE Select); coding-DNA position 7885, G replaced by A.
Protein change: p.Val2629Met; replaces valine 2629 with methionine.
Molecular consequence: missense variant.
Genome position (GRCh38, 1-based): chrX:154,348,908, C>T on the plus strand (G>A on the coding strand, the complement: FLNA is on the minus strand). VCF-style: chrX-154348908-C-T. GRCh37 (hg19) VCF-style: chrX-153577276-C-T.
Other names: c.7861G>A, p.Val2621Met (NM_001456.4); short protein forms V2629M, V2621M.
Identifiers: ClinVar variation 4794459 (VCV004794459.1).